The following is an entry in ClinVar:

ClinVar aggregate classification (germline): Uncertain significance (1 of 4 stars; one submission).

Conditions:
Granulomatous disease, chronic, X-linked. Also called: CYTOCHROME b-NEGATIVE GRANULOMATOUS DISEASE, CHRONIC, X-LINKED; GRANULOMATOUS DISEASE, CHRONIC, X-LINKED, SOMATIC MOSAIC. Identifiers: Orphanet 379, MedGen C1844376, MONDO:0010600, OMIM 306400.

Allele frequency attached by ClinVar (database versions not stated): gnomAD 0.00001; gnomAD exomes 0.00001; TOPMed 0.00001.
gnomAD v4.1: 17 of 1,206,786 alleles (0.0014%); highest among the groups gnomAD compares: Non-Finnish European, 0.0018%; no homozygotes.

Submission:

Labcorp Genetics (formerly Invitae), Labcorp
Classification: Uncertain significance for Granulomatous disease, chronic, X-linked. Last evaluated: 2022-10-21. Review status: criteria provided, single submitter. Criteria: Invitae Variant Classification Sherloc (09022015). Collection method: clinical testing. Allele origin: germline.
Comment: This sequence change replaces glutamic acid, which is acidic and polar, with lysine, which is basic and polar, at codon 256 of the CYBB protein (p.Glu256Lys). This variant is not present in population databases (gnomAD no frequency). This variant has not been reported in the literature in individuals affected with CYBB-related conditions. Advanced modeling of protein sequence and biophysical properties (such as structural, functional, and spatial information, amino acid conservation, physicochemical variation, residue mobility, and thermodynamic stability) performed at Invitae indicates that this missense variant is not expected to disrupt CYBB protein function. In summary, the available evidence is currently insufficient to determine the role of this variant in disease. Therefore, it has been classified as a Variant of Uncertain Significance.

NM_000397.4(CYBB):c.766G>A (p.Glu256Lys)

Gene: CYBB (cytochrome b-245 beta chain; plus strand). Cytogenetic location: Xp21.1.
Variant type: single nucleotide variant.
Coding change: c.766G>A on transcript NM_000397.4 (MANE Select); coding-DNA position 766, G replaced by A.
Protein change: p.Glu256Lys; replaces glutamic acid 256 with lysine.
Molecular consequence: missense variant.
Genome position (GRCh38, 1-based): chrX:37,799,046, G>A. VCF-style: chrX-37799046-G-A. GRCh37 (hg19) VCF-style: chrX-37658299-G-A.
Other names: short protein forms E256K.
Identifiers: ClinVar variation 1916445 (VCV001916445.5), dbSNP rs1929379035, ClinGen allele CA412976670.
Genomic context (GRCh38, chrX:37,799,046, plus strand): 5'-TTGGCTGTGCATAATATAACAGTTTGTGAACAAAAAATCTCAGAATGGGGAAAAATAAAG[G>A]AATGCCCAATCCCTCAGTTTGCTGGAAACCCTCCTATGGTATGTACAATTCATTGTTGTT-3'
Protein context (NP_000388.2, residues 246-266): QKISEWGKIK[Glu256Lys]CPIPQFAGNP